The following is an entry in ClinVar:

ClinVar aggregate classification (germline): Uncertain significance. Review status: criteria provided, multiple submitters, no conflicts (2 of 4 stars). 2 submissions from 2 submitters: Uncertain significance (2). Last evaluated 2024-11-13.

Conditions:
Hereditary cancer-predisposing syndrome. Also called: Neoplastic Syndromes, Hereditary; Tumor predisposition; Hereditary Cancer Syndrome; Hereditary neoplastic syndrome. Identifiers: Orphanet 140162, MedGen C0027672, MeSH D009386, MONDO:0015356.
Gastrointestinal stromal tumor. Also called: Gastrointestinal stromal tumor, somatic; Gastrointestinal stroma tumor. Identifiers: Orphanet 44890, MedGen C0238198, MeSH D046152, MONDO:0011719, OMIM 606764, HP:0100723.

Allele frequency attached by ClinVar (database versions not stated): gnomAD exomes below 0.00001.
gnomAD v4.1: 2 of 1,614,168 alleles (0.00012%); highest among the groups gnomAD compares: Non-Finnish European, 0.00017%; no homozygotes.

Submissions (2):

Labcorp Genetics (formerly Invitae), Labcorp
Classification: Uncertain significance for Gastrointestinal stromal tumor. Last evaluated: 2024-11-13. Review status: criteria provided, single submitter. Criteria: Invitae Variant Classification Sherloc (09022015). Collection method: clinical testing. Allele origin: germline.
Comment: This sequence change replaces valine, which is neutral and non-polar, with alanine, which is neutral and non-polar, at codon 459 of the KIT protein (p.Val459Ala). This variant is not present in population databases (gnomAD no frequency). This variant has not been reported in the literature in individuals affected with KIT-related conditions. ClinVar contains an entry for this variant (Variation ID: 863691). An algorithm developed to predict the effect of missense changes on protein structure and function (PolyPhen-2) suggests that this variant¬†is likely to be tolerated. In summary, the available evidence is currently insufficient to determine the role of this variant in disease. Therefore, it has been classified as a Variant of Uncertain Significance.

Ambry Genetics
Classification: Uncertain significance for Hereditary cancer-predisposing syndrome. Last evaluated: 2022-11-26. Review status: criteria provided, single submitter. Criteria: Ambry Variant Classification Scheme 2023. Collection method: clinical testing. Allele origin: germline.
Comment: The p.V459A variant (also known as c.1376T>C), located in coding exon 9 of the KIT gene, results from a T to C substitution at nucleotide position 1376. The valine at codon 459 is replaced by alanine, an amino acid with similar properties. This amino acid position is conserved. In addition, this alteration is predicted to be tolerated by in silico analysis. Since supporting evidence is limited at this time, the clinical significance of this alteration remains unclear.

NM_000222.3(KIT):c.1376T>C (p.Val459Ala)

Gene: KIT (KIT proto-oncogene, receptor tyrosine kinase; plus strand). Cytogenetic location: 4q12.
Variant type: single nucleotide variant.
Coding change: c.1376T>C on transcript NM_000222.3 (MANE Select); coding-DNA position 1376, T replaced by C.
Protein change: p.Val459Ala; replaces valine 459 with alanine.
Molecular consequence: missense variant.
Genome position (GRCh38, 1-based): chr4:54,725,886, T>C. VCF-style: chr4-54725886-T-C. GRCh37 (hg19) VCF-style: chr4-55592052-T-C.
Other names: c.1376T>C, p.Val459Ala (NM_001093772.2, NM_001385285.1, NM_001385286.1); c.1379T>C, p.Val460Ala (NM_001385284.1, NM_001385288.1, NM_001385290.1 and 1 more transcripts); short protein forms V459A, V460A.
Identifiers: ClinVar variation 863691 (VCV000863691.11), dbSNP rs1722185671, ClinGen allele CA356906268.